The following is an entry in ClinVar:

NM_002350.4(LYN):c.533A>G (p.Asp178Gly)

Gene: LYN (LYN proto-oncogene, Src family tyrosine kinase; plus strand). Cytogenetic location: 8q12.1.
Variant type: single nucleotide variant.
Coding change: c.533A>G on transcript NM_002350.4 (MANE Select); coding-DNA position 533, A replaced by G.
Protein change: p.Asp178Gly; replaces aspartic acid 178 with glycine.
Molecular consequence: missense variant.
Genome position (GRCh38, 1-based): chr8:55,952,011, A>G. VCF-style: chr8-55952011-A-G. GRCh37 (hg19) VCF-style: chr8-56864570-A-G.
Other names: c.470A>G, p.Asp157Gly (NM_001111097.3); short protein forms D157G, D178G.
Identifiers: ClinVar variation 4799531 (VCV004799531.1).

ClinVar aggregate classification (germline): Uncertain significance (1 of 4 stars; one submission).

gnomAD v4.1: 1 of 1,612,306 alleles (0.000062%); highest among the groups gnomAD compares: African/African-American, 0.0013%; no homozygotes.

Submission:

Labcorp Genetics (formerly Invitae), Labcorp
Classification: Uncertain significance. Last evaluated: 2025-03-26. Review status: criteria provided, single submitter. Criteria: Invitae Variant Classification Sherloc (09022015). Collection method: clinical testing. Allele origin: germline.
Comment: This sequence change replaces aspartic acid, which is acidic and polar, with glycine, which is neutral and non-polar, at codon 178 of the LYN protein (p.Asp178Gly). This variant is not present in population databases (gnomAD no frequency). This variant has not been reported in the literature in individuals affected with LYN-related conditions. An algorithm developed to predict the effect of missense changes on protein structure and function (PolyPhen-2) suggests that this variant is likely to be disruptive. In summary, the available evidence is currently insufficient to determine the role of this variant in disease. Therefore, it has been classified as a Variant of Uncertain Significance.